The following is an entry in ClinVar:

ClinVar aggregate classification (germline): Likely benign (1 of 4 stars; one submission).

Allele frequency attached by ClinVar (database versions not stated): gnomAD exomes 0.00023 and 0.00040; ExAC 0.00049; ESP Exome Variant Server 0.00154; 1000 Genomes Project 0.00180; 1000 Genomes Project 30x 0.00187; gnomAD 0.00188 and 0.00201; TOPMed 0.00211.
gnomAD v4.1: 625 of 1,613,588 alleles (0.039%); highest among the groups gnomAD compares: African/African-American, 0.77%; 2 homozygotes.

Submission:

Laboratory for Molecular Medicine, Mass General Brigham Personalized Medicine
Classification: Likely benign. Last evaluated: 2012-04-30. Review status: criteria provided, single submitter. Criteria: LMM Criteria. Collection method: clinical testing. Allele origin: germline. Observed: 1 variant allele.
Comment: 541+12C>T in Intron 07 of MYO1A: This variant is not expected to have clinical s ignificance because it is not located within the conserved splice consensus sequ ence and has been identified in 0.4% (16/3738) of African American chromosomes f rom a broad population by the NHLBI Exome Sequencing Project (dbSNP rs150907076).

NM_005379.4(MYO1A):c.541+12C>T

Genes: MYO1A (myosin IA; minus strand), LOC126861538 (BRD4-independent group 4 enhancer GRCh37_chr12:57440635-57441834; plus strand). Cytogenetic location: 12q13.3.
Variant type: single nucleotide variant.
Coding change: c.541+12C>T on transcript NM_005379.4 (MANE Select); 12 bases into the intron after coding-DNA position 541, C replaced by T.
Molecular consequence: intron variant.
Genome position (GRCh38, 1-based): chr12:57,046,851, G>A on the plus strand (C>T on the coding strand, the complement: MYO1A is on the minus strand). VCF-style: chr12-57046851-G-A. GRCh37 (hg19) VCF-style: chr12-57440635-G-A.
Other names: c.541+12C>T (NM_001256041.2).
Identifiers: ClinVar variation 164598 (VCV000164598.4), dbSNP rs150907076, ClinGen allele CA177320.
Genomic context (GRCh38, chr12:57,046,851, plus strand): 5'-AGGAACAGATTAGCAGAAAGGGCCATGGGAGGCAGGTGGAAGACAGGTGAGTGGAATTGG[G>A]GAGACACGTACAGTTTGTGATGACACCACCGAGGGGGGATCCCTTGAAGTCAAATTCAAT-3'